The following is an entry in ClinVar:

ClinVar aggregate classification (germline): Uncertain significance (1 of 4 stars; one submission).

gnomAD v4.1: 38 of 1,614,186 alleles (0.0024%); highest among the groups gnomAD compares: Middle Eastern, 0.066%; no homozygotes.

Submission:

Labcorp Genetics (formerly Invitae), Labcorp
Classification: Uncertain significance. Last evaluated: 2024-06-04. Review status: criteria provided, single submitter. Criteria: Invitae Variant Classification Sherloc (09022015). Collection method: clinical testing. Allele origin: germline.
Comment: This sequence change replaces asparagine, which is neutral and polar, with serine, which is neutral and polar, at codon 2920 of the DNAH9 protein (p.Asn2920Ser). This variant is present in population databases (rs375019170, gnomAD 0.03%). This variant has not been reported in the literature in individuals affected with DNAH9-related conditions. Advanced modeling of protein sequence and biophysical properties (such as structural, functional, and spatial information, amino acid conservation, physicochemical variation, residue mobility, and thermodynamic stability) performed at Invitae indicates that this missense variant is not expected to disrupt DNAH9 protein function with a negative predictive value of 80%. In summary, the available evidence is currently insufficient to determine the role of this variant in disease. Therefore, it has been classified as a Variant of Uncertain Significance.

NM_001372.4(DNAH9):c.8759A>G (p.Asn2920Ser)

Gene: DNAH9 (dynein axonemal heavy chain 9; plus strand). Cytogenetic location: 17p12.
Variant type: single nucleotide variant.
Coding change: c.8759A>G on transcript NM_001372.4 (MANE Select); coding-DNA position 8759, A replaced by G.
Protein change: p.Asn2920Ser; replaces asparagine 2920 with serine.
Molecular consequence: missense variant.
Genome position (GRCh38, 1-based): chr17:11,821,971, A>G. VCF-style: chr17-11821971-A-G. GRCh37 (hg19) VCF-style: chr17-11725288-A-G.
Other names: short protein forms N2920S.
Identifiers: ClinVar variation 3715364 (VCV003715364.2).